The following is an entry in ClinVar:

ClinVar aggregate classification (germline): Uncertain significance (1 of 4 stars; one submission).

Conditions:
Immunodeficiency, common variable, 12 (CVID12). Also called: IMMUNODEFICIENCY, COMMON VARIABLE, 12, WITH AUTOIMMUNITY; NFKB1 DEFICIENCY. Identifiers: Orphanet 1572, Orphanet 696874, MedGen C4225277, MONDO:0014697, OMIM 616576.

Submission:

Kasturba Medical College, Manipal, Kasturba Medical College, Manipal, Manipal Academy of Higher Education, Manipal, India
Classification: Uncertain significance for Immunodeficiency, common variable, 12. Review status: criteria provided, single submitter. Criteria: ACMG Guidelines, 2015. Collection method: research. Allele origin: maternal. Inheritance: Autosomal dominant inheritance. Affected: yes. Observed: 1 heterozygote.
Comment: This variant is not observed in gnomAD population database and our in-house database of 3521 exomes. In silico prediction tools (MutationTaster and REVEL) are consistent in predicting the variant to be damaging to NFKB1 protein function. Age at onset and disease severity vary widely, even among individuals within the same family. In addition, this condition exhibits incomplete penetrance and carriers remain asymptomatic despite having hypogammaglobulinemia (Fliegauf et al., 2015; Lorenzini et al., 2020)

Literature cited by the submitters: PubMed 32278790; PubMed 26279205.

NM_003998.4(NFKB1):c.2583C>A (p.Asp861Glu)

Gene: NFKB1 (nuclear factor kappa B subunit 1; plus strand). Cytogenetic location: 4q24.
Variant type: single nucleotide variant.
Coding change: c.2583C>A on transcript NM_003998.4 (MANE Select); coding-DNA position 2583, C replaced by A.
Protein change: p.Asp861Glu; replaces aspartic acid 861 with glutamic acid.
Molecular consequence: missense variant.
Genome position (GRCh38, 1-based): chr4:102,612,597, C>A. VCF-style: chr4-102612597-C-A. GRCh37 (hg19) VCF-style: chr4-103533754-C-A.
Other names: c.2580C>A, p.Asp860Glu (NM_001165412.2, NM_001319226.2, NM_001382627.1); c.2583C>A, p.Asp861Glu (NM_001382625.1, NM_001382626.1); c.2541C>A, p.Asp847Glu (NM_001382628.1); short protein forms D847E, D860E, D861E.
Identifiers: ClinVar variation 4082105 (VCV004082105.1).
Genomic context (GRCh38, chr4:102,612,597, plus strand): 5'-TCTGGGGATACTTAATAATGCCTTCCGGCTGAGTCCTGCTCCTTCCAAAACACTTATGGA[C>A]AACTATGAGGTAACACCTTACCTTACAGATTTAGCAATTTTCATTTGACTTTACTCTGTT-3'
Protein context (NP_003989.2, residues 851-871): LSPAPSKTLM[Asp861Glu]NYEVSGGTVR